The following is an entry in ClinVar:

NM_005120.3(MED12):c.4148_4162dup (p.Ile1387_Glu1388insAlaLysAlaThrIle)

Gene: MED12 (mediator complex subunit 12; plus strand). Cytogenetic location: Xq13.1.
Variant type: Duplication.
Coding change: c.4148_4162dup on transcript NM_005120.3 (MANE Select); coding-DNA positions 4148 to 4162, 15 bases duplicated (CCAAGGCCACAATCG).
Protein change: p.Ile1387_Glu1388insAlaLysAlaThrIle.
Molecular consequence: inframe insertion.
Genome position (GRCh38, 1-based): chrX:71,132,101-71,132,115, CCAAGGCCACAATCG duplicated; duplicating any 15 consecutive bases within chrX:71,132,097-71,132,115 gives the same sequence; the c. name uses the placement nearest the transcript's 3' end. VCF-style (leftmost placement, unchanged base first): chrX-71132096-C-CATCGCCAAGGCCACA. GRCh37 (hg19) VCF-style: chrX-70351946-C-CATCGCCAAGGCCACA.
Identifiers: ClinVar variation 4755656 (VCV004755656.1).
Genomic context (GRCh38, chrX:71,132,096, plus strand): 5'-CCTATTTTAGCACTTCTGTGCCTTTCATCCTCCCCAGGAGATGAACTCCCTCTTGGAGAA[C>CATCGCCAAGGCCACA]ATCGCCAAGGCCACAATCGAGGTTTTCCAACAGTCAGCAGAGACAGGGTCATCTTCTGGA-3'

ClinVar aggregate classification (germline): Uncertain significance (1 of 4 stars; one submission).

Submission:

GeneDx
Classification: Uncertain significance. Last evaluated: 2025-08-07. Review status: criteria provided, single submitter. Criteria: GeneDx Variant Classification Process June 2021. Collection method: clinical testing. Allele origin: germline. Affected: yes.
Comment: In-frame duplication of 5 amino acid(s) in a non-repeat region; Not observed at significant frequency in large population cohorts (gnomAD); Has not been previously published as pathogenic or benign to our knowledge